The following is an entry in ClinVar:

ClinVar aggregate classification (germline): Uncertain significance. Review status: criteria provided, multiple submitters, no conflicts (2 of 4 stars). 2 submissions from 2 submitters: Uncertain significance (2). Last evaluated 2025-06-22.

Conditions:
Cardiovascular phenotype. Identifiers: MedGen CN230736.

gnomAD v4.1: 2 of 1,613,776 alleles (0.00012%); highest among the groups gnomAD compares: Non-Finnish European, 0.00017%; no homozygotes.

Submissions (2):

Ambry Genetics
Classification: Uncertain significance for Cardiovascular phenotype. Last evaluated: 2025-06-22. Review status: criteria provided, single submitter. Criteria: Ambry Variant Classification Scheme 2023. Collection method: clinical testing. Allele origin: germline.
Comment: The p.P1104L variant (also known as c.3311C>T), located in coding exon 21 of the TRPM4 gene, results from a C to T substitution at nucleotide position 3311. The proline at codon 1104 is replaced by leucine, an amino acid with similar properties. This amino acid position is conserved. In addition, this alteration is predicted to be tolerated by in silico analysis. Based on the available evidence, the clinical significance of this variant remains unclear.

Blueprint Genetics
Classification: Uncertain significance. Last evaluated: 2020-11-03. Review status: criteria provided, single submitter. Criteria: ACMG Guidelines, 2015. Collection method: clinical testing. Allele origin: germline.

NM_017636.4(TRPM4):c.3311C>T (p.Pro1104Leu)

Gene: TRPM4 (transient receptor potential cation channel subfamily M member 4; plus strand). Cytogenetic location: 19q13.33.
Variant type: single nucleotide variant.
Coding change: c.3311C>T on transcript NM_017636.4 (MANE Select); coding-DNA position 3311, C replaced by T.
Protein change: p.Pro1104Leu; replaces proline 1104 with leucine.
Molecular consequence: missense variant.
Genome position (GRCh38, 1-based): chr19:49,210,388, C>T. VCF-style: chr19-49210388-C-T. GRCh37 (hg19) VCF-style: chr19-49713645-C-T.
Other names: c.2876C>T, p.Pro959Leu (NM_001195227.2); c.2966C>T, p.Pro989Leu (NM_001321281.2); c.1703C>T, p.Pro568Leu (NM_001321282.2); c.2789C>T, p.Pro930Leu (NM_001321283.2); c.2249C>T, p.Pro750Leu (NM_001321285.2); short protein forms P1104L, P989L, P568L, P750L, P930L, P959L.
Identifiers: ClinVar variation 3974287 (VCV003974287.3).